The following is an entry in ClinVar:

ClinVar aggregate classification (germline): Likely benign. Review status: criteria provided, multiple submitters, no conflicts (2 of 4 stars). 2 submissions from 2 submitters: Likely benign (2). Last evaluated 2025-12-05.

Conditions:
Inborn genetic diseases. Identifiers: MedGen C0950123, MeSH D030342.
RPS6KA3-related disorder. Also called: RPS6KA3-related condition.

Submissions (2):

PreventionGenetics, part of Exact Sciences
Classification: Likely benign for RPS6KA3-related condition. Last evaluated: 2025-12-05. Review status: criteria provided, single submitter. Criteria: ACMG Guidelines, 2015. Collection method: clinical testing. Allele origin: germline.
Comment: This variant is classified as likely benign based on ACMG/AMP sequence variant interpretation guidelines (Richards et al. 2015 PMID: 25741868, with internal and published modifications).

Ambry Genetics
Classification: Likely benign for Inborn genetic diseases. Last evaluated: 2016-06-21. Review status: criteria provided, single submitter. Criteria: Ambry Variant Classification Scheme 2023. Collection method: clinical testing. Allele origin: germline.

NM_004586.3(RPS6KA3):c.1143T>C (p.Leu381=)

Gene: RPS6KA3 (ribosomal protein S6 kinase A3; minus strand). Cytogenetic location: Xp22.12.
Variant type: single nucleotide variant.
Coding change: c.1143T>C on transcript NM_004586.3 (MANE Select); coding-DNA position 1143, T replaced by C.
Protein change: p.Leu381=; no amino-acid change (leucine 381 retained).
Molecular consequence: synonymous variant.
Genome position (GRCh38, 1-based): chrX:20,175,248, A>G on the plus strand (T>C on the coding strand, the complement: RPS6KA3 is on the minus strand). VCF-style: chrX-20175248-A-G. GRCh37 (hg19) VCF-style: chrX-20193366-A-G.
Identifiers: ClinVar variation 589297 (VCV000589297.6), dbSNP rs1481912320, ClinGen allele CA515614174.
Genomic context (GRCh38, chrX:20,175,248, plus strand): 5'-TGTCTGCATAGCTTGGCTTTCATCATCTGAGGTAATAGCAACAAAACTAAACCCCCGAAA[A>G]AGCTGATGTGCATTAGCACTAGGTGGAATGCCAGGTGAATCTGAAAAGAGTAAGAAGTGA-3'
Protein context (NP_004577.1, residues 371-391): GIPPSANAHQ[Leu381=]FRGFSFVAIT